The following is an entry in ClinVar:

NM_000038.6(APC):c.1412_1413delinsTT (p.Gly471Val)

Gene: APC (APC regulator of Wnt signaling pathway; plus strand). Cytogenetic location: 5q22.2.
Variant type: Indel.
Coding change: c.1412_1413delinsTT on transcript NM_000038.6 (MANE Select); coding-DNA positions 1412 to 1413, GA replaced by TT.
Protein change: p.Gly471Val; replaces glycine 471 with valine.
Molecular consequence: missense variant.
Genome position (GRCh38, 1-based): chr5:112,827,111-112,827,112, GA replaced by TT. VCF-style: chr5-112827111-GA-TT. GRCh37 (hg19) VCF-style: chr5-112162808-GA-TT.
Other names: c.1412_1413delinsTT, p.Gly471Val (NM_001127510.3, NM_001354895.2, NM_001407450.1); c.1358_1359delinsTT, p.Gly453Val (NM_001127511.3); c.1466_1467delinsTT, p.Gly489Val (NM_001354896.2, NM_001407447.1, NM_001407448.1 and 1 more transcripts); c.1442_1443delinsTT, p.Gly481Val (NM_001354897.2); c.1337_1338delinsTT, p.Gly446Val (NM_001354898.2); c.1328_1329delinsTT, p.Gly443Val (NM_001354899.2); c.1289_1290delinsTT, p.Gly430Val (NM_001354900.2); c.1235_1236delinsTT, p.Gly412Val (NM_001354901.2, NM_001407453.1); and 11 more; short protein forms G370V, G388V, G412V, G446V, G188V, G453V, G461V, G481V.
Identifiers: ClinVar variation 3411583 (VCV003411583.1).
Genomic context (GRCh38, chr5:112,827,111, plus strand): 5'-TACCAGTTTGTTTTATTTTAGATGATTGTCTTTTTCCTCTTGCCCTTTTTAAATTAGGGG[GA>TT]CTACAGGCCATTGCAGAATTATTGCAAGTGGACTGTGAAATGTATGGGCTTACTAATGAC-3'
Protein context (NP_000029.2, residues 461-481): EHRHAMNELG[Gly471Val]LQAIAELLQV

ClinVar aggregate classification (germline): Uncertain significance (1 of 4 stars; one submission).

Conditions:
Hereditary cancer-predisposing syndrome. Also called: Neoplastic Syndromes, Hereditary; Tumor predisposition; Hereditary Cancer Syndrome; Hereditary neoplastic syndrome. Identifiers: Orphanet 140162, MedGen C0027672, MeSH D009386, MONDO:0015356.

Submission:

Ambry Genetics
Classification: Uncertain significance for Hereditary cancer-predisposing syndrome. Last evaluated: 2024-10-15. Review status: criteria provided, single submitter. Criteria: Ambry Variant Classification Scheme 2023. Collection method: clinical testing. Allele origin: germline.
Comment: The c.1412_1413delGAinsTT variant (also known as p.G471V), located in coding exon 11 of the APC gene, results from an in-frame deletion of GA and insertion of TT at nucleotide positions 1412 to 1413. glycine residue for a valine residue at codon 471, an amino acid with dissimilar properties. This amino acid position is highly conserved in available vertebrate species. In addition, this alteration is predicted to be deleterious by in silico analysis (Choi Y et al. PLoS ONE. 2012; 7(10):e46688). Based on the available evidence, the clinical significance of this variant remains unclear.